The following is an entry in ClinVar:

NM_017436.7(A4GALT):c.355G>A (p.Gly119Ser)

Gene: A4GALT (alpha 1,4-galactosyltransferase (P1PK blood group); minus strand). Cytogenetic location: 22q13.2.
Variant type: single nucleotide variant.
Coding change: c.355G>A on transcript NM_017436.7 (MANE Select); coding-DNA position 355, G replaced by A.
Protein change: p.Gly119Ser; replaces glycine 119 with serine.
Molecular consequence: missense variant.
Genome position (GRCh38, 1-based): chr22:42,693,597, C>T on the plus strand (G>A on the coding strand, the complement: A4GALT is on the minus strand). VCF-style: chr22-42693597-C-T. GRCh37 (hg19) VCF-style: chr22-43089603-C-T.
Other names: c.355G>A, p.Gly119Ser (NM_001318038.3); short protein forms G119S.
Identifiers: ClinVar variation 3701170 (VCV003701170.2).

ClinVar aggregate classification (germline): Uncertain significance (1 of 4 stars; one submission).

gnomAD v4.1: 4 of 1,613,674 alleles (0.00025%); highest among the groups gnomAD compares: Non-Finnish European, 0.00025%; no homozygotes.

Submission:

Labcorp Genetics (formerly Invitae), Labcorp
Classification: Uncertain significance. Last evaluated: 2025-12-16. Review status: criteria provided, single submitter. Criteria: Invitae Variant Classification Sherloc (09022015). Collection method: clinical testing. Allele origin: germline.
Comment: This sequence change replaces glycine, which is neutral and non-polar, with serine, which is neutral and polar, at codon 119 of the A4GALT protein (p.Gly119Ser). This variant is not present in population databases (gnomAD no frequency). This variant has not been reported in the literature in individuals affected with A4GALT-related conditions. ClinVar contains an entry for this variant (Variation ID: 3701170). An algorithm developed to predict the effect of missense changes on protein structure and function (PolyPhen-2) suggests that this variant is likely to be tolerated. In summary, the available evidence is currently insufficient to determine the role of this variant in disease. Therefore, it has been classified as a Variant of Uncertain Significance.